The following is an entry in ClinVar:

NM_000059.4(BRCA2):c.7875A>G (p.Arg2625=)

Gene: BRCA2 (BRCA2 DNA repair associated; plus strand). Cytogenetic location: 13q13.1.
Variant type: single nucleotide variant.
Coding change: c.7875A>G on transcript NM_000059.4 (MANE Select); coding-DNA position 7875, A replaced by G.
Protein change: p.Arg2625=; no amino-acid change (arginine 2625 retained).
Molecular consequence: synonymous variant.
Genome position (GRCh38, 1-based): chr13:32,362,592, A>G. VCF-style: chr13-32362592-A-G. GRCh37 (hg19) VCF-style: chr13-32936729-A-G.
Other names: c.7875A>G (NM_000059.3).
Identifiers: ClinVar variation 1086635 (VCV001086635.18), dbSNP rs2137577015, ClinGen allele CA483260908.
Genomic context (GRCh38, chr13:32,362,592, plus strand): 5'-TGACACTCCAGGTGTGGATCCAAAGCTTATTTCTAGAATTTGGGTTTATAATCACTATAG[A>G]TGGATCATATGGAAACTGGCAGCTATGGAATGTGCCTTTCCTAAGGAATTTGCTAATAGA-3'
Protein context (NP_000050.3, residues 2615-2635): ISRIWVYNHY[Arg2625=]WIIWKLAAME

ClinVar aggregate classification (germline): Conflicting classifications of pathogenicity. Review status: criteria provided, conflicting classifications (1 of 4 stars). 3 submissions from 3 submitters: Uncertain significance (1); Likely benign (2). Last evaluated 2025-03-04.

Conditions:
Hereditary breast ovarian cancer syndrome. Also called: Hereditary breast and ovarian cancer syndrome (HBOC); Hereditary breast and ovarian cancer syndrome; BRCA1- and BRCA2-Associated Hereditary Breast and Ovarian Cancer; Hereditary breast and/or ovarian cancer syndrome; Hereditary breast and ovarian cancer; Breast and ovarian cancer. Identifiers: Orphanet 145, MedGen C0677776, MeSH D061325, MONDO:0003582. Disease mechanism: loss of function.
Hereditary cancer-predisposing syndrome. Also called: Hereditary Cancer Syndrome; Neoplastic Syndromes, Hereditary; Tumor predisposition; Hereditary neoplastic syndrome. Identifiers: Orphanet 140162, MedGen C0027672, MeSH D009386, MONDO:0015356.

gnomAD v4.1: 2 of 1,614,158 alleles (0.00012%); highest among the groups gnomAD compares: East Asian, 0.0022%; no homozygotes.

Submissions (3):

Center for Genomic Medicine, Rigshospitalet, Copenhagen University Hospital
Classification: Likely benign. Last evaluated: 2025-03-04. Review status: criteria provided, single submitter. Criteria: ACMG Guidelines, 2015. Collection method: clinical testing. Allele origin: germline.

Labcorp Genetics (formerly Invitae), Labcorp
Classification: Likely benign for Hereditary breast ovarian cancer syndrome. Last evaluated: 2024-12-04. Review status: criteria provided, single submitter. Criteria: Invitae Variant Classification Sherloc (09022015). Collection method: clinical testing. Allele origin: germline.

Ambry Genetics
Classification: Uncertain significance for Hereditary cancer-predisposing syndrome. Last evaluated: 2023-02-22. Review status: criteria provided, single submitter. Criteria: Ambry Variant Classification Scheme 2023. Collection method: clinical testing. Allele origin: germline.
Comment: The c.7875A>G variant (also known as p.R2625R), located in coding exon 16 of the BRCA2 gene, results from an A to G substitution at nucleotide position 7875. This nucleotide substitution does not change the at codon 2625. This nucleotide position is not well conserved in available vertebrate species. In silico splice site analysis predicts that this alteration may result in the creation or strengthening of a novel splice acceptor site; however, direct evidence is insufficient at this time (Ambry internal data). Since supporting evidence is limited at this time, the clinical significance of this alteration remains unclear.

Literature cited by the submitters: PubMed 28339459 (cited by Center for Genomic Medicine, Rigshospitalet, Copenhagen University Hospital).